The following is an entry in ClinVar:

NM_000726.5(CACNB4):c.1310G>A (p.Arg437Gln)

Gene: CACNB4 (calcium voltage-gated channel auxiliary subunit beta 4; minus strand). Cytogenetic location: 2q23.3.
Variant type: single nucleotide variant.
Coding change: c.1310G>A on transcript NM_000726.5 (MANE Select); coding-DNA position 1310, G replaced by A.
Protein change: p.Arg437Gln; replaces arginine 437 with glutamine.
Molecular consequence: missense variant.
Genome position (GRCh38, 1-based): chr2:151,839,372, C>T on the plus strand (G>A on the coding strand, the complement: CACNB4 is on the minus strand). VCF-style: chr2-151839372-C-T. GRCh37 (hg19) VCF-style: chr2-152695886-C-T.
Other names: c.1256G>A, p.Arg419Gln (NM_001005746.4); c.1208G>A, p.Arg403Gln (NM_001005747.4); c.1124G>A, p.Arg375Gln (NM_001145798.3); c.1169G>A, p.Arg390Gln (NM_001320722.3, NM_001330118.2); c.1067G>A, p.Arg356Gln (NM_001330113.2); c.656G>A, p.Arg219Gln (NM_001330114.2); c.1019G>A, p.Arg340Gln (NM_001330115.2); c.980G>A, p.Arg327Gln (NM_001330116.2); and 1 more; short protein forms R437Q, R219Q, R375Q, R403Q, R356Q, R390Q, R419Q, R251Q.
Identifiers: ClinVar variation 567325 (VCV000567325.15), dbSNP rs751754026, ClinGen allele CA1912359.
Genomic context (GRCh38, chr2:151,839,372, plus strand): 5'-GTCATTAGACTTCGTCTTTCAATTGGAGAGTTCTCTGTGGAGTGGTTGCTGTGCCTCATT[C>T]GCTGACTCTAAAAATATCAGATAGTTCATTGATTAAATAATGTCAGCTTCATTCATCTAA-3'
Protein context (NP_000717.2, residues 427-447): PTAISGLQSQ[Arg437Gln]MRHSNHSTEN

ClinVar aggregate classification (germline): Conflicting classifications of pathogenicity. Review status: criteria provided, conflicting classifications (1 of 4 stars). 4 submissions from 4 submitters: Uncertain significance (3); Benign (1). Last evaluated 2025-10-02.

Conditions:
Idiopathic generalized epilepsy. Also called: Generalised epilepsy; EIG. Identifiers: MedGen C0270850, MONDO:0005579, OMIM 600669.
Episodic ataxia type 5. Identifiers: Orphanet 211067, MedGen C1866039, MONDO:0013464, OMIM 613855.

Allele frequency attached by ClinVar (database versions not stated): gnomAD 0.00001 and 0.00002; TOPMed 0.00003; ExAC 0.00009; gnomAD exomes 0.00009 and 0.00010.
gnomAD v4.1: 146 of 1,606,354 alleles (0.0091%); highest among the groups gnomAD compares: South Asian, 0.011%; no homozygotes.

Submissions (4):

Athena Diagnostics
Classification: Uncertain significance. Last evaluated: 2025-10-02. Review status: criteria provided, single submitter. Criteria: Athena Diagnostics Criteria. Collection method: clinical testing. Allele origin: unknown.
Comment: Available data are insufficient to determine the clinical significance of the variant at this time. The frequency of this variant in the general population is uninformative in assessment of its pathogenicity. Polyphen and MutationTaster predict this amino acid change may be benign.

Ambry Genetics
Classification: Uncertain significance. Last evaluated: 2024-10-16. Review status: criteria provided, single submitter. Criteria: Ambry Variant Classification Scheme 2023. Collection method: clinical testing. Allele origin: germline.

Labcorp Genetics (formerly Invitae), Labcorp
Classification: Uncertain significance for Idiopathic generalized epilepsy. Last evaluated: 2018-12-17. Review status: criteria provided, single submitter. Criteria: Invitae Variant Classification Sherloc (09022015). Collection method: clinical testing. Allele origin: germline.
Comment: Algorithms developed to predict the effect of missense changes on protein structure and function (SIFT, PolyPhen-2, Align-GVGD) all suggest that this variant is likely to be tolerated, but these predictions have not been confirmed by published functional studies and their clinical significance is uncertain. In summary, the available evidence is currently insufficient to determine the role of this variant in disease. Therefore, it has been classified as a Variant of Uncertain Significance. This variant has not been reported in the literature in individuals with CACNB4-related disease. This variant is present in population databases (rs751754026, ExAC 0.02%), and has an allele count higher than expected for a pathogenic variant (PMID: 28166811). This sequence change replaces arginine with glutamine at codon 437 of the CACNB4 protein (p.Arg437Gln). The arginine residue is moderately conserved and there is a small physicochemical difference between arginine and glutamine.

Illumina Laboratory Services, Illumina
Classification: Benign for Episodic ataxia type 5. Last evaluated: 2018-01-12. Review status: criteria provided, single submitter. Criteria: ICSL Variant Classification Criteria 13 December 2019. Collection method: clinical testing. Allele origin: germline.
Comment: This variant was observed in the ICSL laboratory as part of a predisposition screen in an ostensibly healthy population. It had not been previously curated by ICSL or reported in the Human Gene Mutation Database (HGMD: prior to June 1st, 2018), and was therefore a candidate for classification through an automated scoring system. Utilizing variant allele frequency, disease prevalence and penetrance estimates, and inheritance mode, an automated score was calculated to assess if this variant is too frequent to cause the disease. Based on the score and internal cut-off values, a variant classified as benign is not then subjected to further curation. The score for this variant resulted in a classification of benign for this disease.

Literature cited by the submitters: PubMed 28166811 (cited by Labcorp Genetics (formerly Invitae), Labcorp).